The following is an entry in ClinVar:

NM_005144.5(HR):c.3250G>A (p.Ala1084Thr)

Gene: HR (HR lysine demethylase and nuclear receptor corepressor; minus strand). Cytogenetic location: 8p21.3.
Variant type: single nucleotide variant.
Coding change: c.3250G>A on transcript NM_005144.5 (MANE Select); coding-DNA position 3250, G replaced by A.
Protein change: p.Ala1084Thr; replaces alanine 1084 with threonine.
Molecular consequence: missense variant. On other transcripts: intron variant (1).
Genome position (GRCh38, 1-based): chr8:22,117,003, C>T on the plus strand (G>A on the coding strand, the complement: HR is on the minus strand). VCF-style: chr8-22117003-C-T. GRCh37 (hg19) VCF-style: chr8-21974516-C-T.
Other names: c.3214-575G>A (NM_018411.4); short protein forms A1084T.
Identifiers: ClinVar variation 362479 (VCV000362479.14), dbSNP rs201956860, ClinGen allele CA4661822.

ClinVar aggregate classification (germline): Conflicting classifications of pathogenicity. Review status: criteria provided, conflicting classifications (1 of 4 stars). 7 submissions from 6 submitters: Uncertain significance (1); Likely benign (6). Last evaluated 2026-09-01.

Conditions:
Alopecia universalis congenita (ALUNC). Also called: ATRICHIA, GENERALIZED. Identifiers: Orphanet 701, MedGen C1859877, MONDO:0008757, OMIM 203655.
Atrichia with papular lesions (APL). Also called: PAPULAR ATRICHIA. Identifiers: Orphanet 86819, MedGen C1859592, MONDO:0008847, OMIM 209500.
Inborn genetic diseases. Identifiers: MedGen C0950123, MeSH D030342.

Allele frequency attached by ClinVar (database versions not stated): 1000 Genomes Project 0.00040; 1000 Genomes Project 30x 0.00047; ESP Exome Variant Server 0.00118; gnomAD exomes 0.00140; TOPMed 0.00162; gnomAD 0.00175 and 0.00177; ExAC 0.00249.
gnomAD v4.1: 3,990 of 1,524,586 alleles (0.26%); highest among the groups gnomAD compares: Non-Finnish European, 0.33%; 7 homozygotes.

Submissions (7):

CeGaT Center for Human Genetics Tuebingen
Classification: Likely benign. Last evaluated: 2026-09-01. Review status: criteria provided, single submitter. Criteria: CeGaT Center For Human Genetics Tuebingen Variant Classification Criteria Version 2. Collection method: clinical testing. Allele origin: germline. Affected: yes. Observed: 1 variant allele.
Comment: HR: BP4, BS1

GeneDx
Classification: Uncertain significance. Last evaluated: 2026-03-27. Review status: criteria provided, single submitter. Criteria: GeneDx Variant Classification Process June 2021. Collection method: clinical testing. Allele origin: germline.
Comment: In silico analysis suggests that this missense variant does not alter protein structure/function; Has not been previously published as pathogenic or benign to our knowledge

Labcorp Genetics (formerly Invitae), Labcorp
Classification: Likely benign. Last evaluated: 2025-11-03. Review status: criteria provided, single submitter. Criteria: Invitae Variant Classification Sherloc (09022015). Collection method: clinical testing. Allele origin: germline.

Blueprint Genetics
Classification: Likely benign. Last evaluated: 2024-11-26. Review status: criteria provided, single submitter. Criteria: ACMG Guidelines, 2015. Collection method: clinical testing. Allele origin: germline.

Ambry Genetics
Classification: Likely benign for Inborn genetic diseases. Last evaluated: 2021-12-03. Review status: criteria provided, single submitter. Criteria: Ambry Variant Classification Scheme 2023. Collection method: clinical testing. Allele origin: germline.

Illumina Laboratory Services, Illumina
Classification: Likely benign for Atrichia with papular lesions. Last evaluated: 2018-01-13. Review status: criteria provided, single submitter. Criteria: ICSL Variant Classification Criteria 13 December 2019. Collection method: clinical testing. Allele origin: germline.
Comment: This variant was observed in the ICSL laboratory as part of a predisposition screen in an ostensibly healthy population. It had not been previously curated by ICSL or reported in the Human Gene Mutation Database (HGMD: prior to June 1st, 2018), and was therefore a candidate for classification through an automated scoring system. Utilizing variant allele frequency, disease prevalence and penetrance estimates, and inheritance mode, an automated score was calculated to assess if this variant is too frequent to cause the disease. Based on the score and internal cut-off values, a variant classified as likely benign is not then subjected to further curation. The score for this variant resulted in a classification of likely benign for this disease.

Illumina Laboratory Services, Illumina
Classification: Likely benign for Alopecia universalis congenita. Last evaluated: 2018-01-13. Review status: criteria provided, single submitter. Criteria: ICSL Variant Classification Criteria 13 December 2019. Collection method: clinical testing. Allele origin: germline.
Comment: the same text as in the submission from Illumina Laboratory Services, Illumina above.